The following is an entry in ClinVar:

ClinVar aggregate classification (germline): Benign. Review status: reviewed by expert panel (3 of 4 stars). 3 submissions from 3 submitters: Benign (1). 2 of the submissions do not count toward it. Last evaluated 2024-11-04.

Conditions:
Hereditary thrombocytopenia and hematologic cancer predisposition syndrome. Identifiers: Orphanet 71290, MedGen CN281654, MONDO:0011071.

Submissions (3):

ClinGen Myeloid Malignancy Variant Curation Expert Panel
Classification: Benign for Hereditary thrombocytopenia and hematologic cancer predisposition syndrome. Last evaluated: 2024-11-04. Review status: reviewed by expert panel. Criteria: ClinGen MyeloMalig ACMG Specifications v2. Collection method: curation. Allele origin: germline. Inheritance: Autosomal dominant inheritance.
Comment: NM_001754.5(RUNX1):c.98-148_98-147dup is an intronic duplication which has a MAF of 0.1875 (18.75%, 15/80, 15 alleles) in the Middle Eastern subpopulation of the gnomAD 3.1.2 cohort which is ≥ 0.0015 (0.15%) (BA1). This intronic variant has a SpliceAI score ≤ 0.20 (0.05) (BP4). This variant has a SpliceAI score ≤ 0.20 (0.05) and evolutionary conservation prediction algorithms predict the site as not being conserved (PhyloP score ≤ 2.0 (0.50) (BP7). In summary, this variant meets criteria to be classified as benign. ACMG/AMP criteria applied, as specified by the Myeloid Malignancy Variant Curation Expert Panel for RUNX1: BA1, BP4, BP7.

GeneDx
Classification: Likely benign. Last evaluated: 2019-11-13. Review status: criteria provided, single submitter. Criteria: GeneDx Variant Classification Process June 2021. Collection method: clinical testing. Allele origin: germline. Affected: yes. Not counted in ClinVar's aggregate classification.
Comment: See Variant Classification Assertion Criteria.

Blueprint Genetics
Classification: Likely benign. Last evaluated: 2018-06-26. Review status: criteria provided, single submitter. Criteria: ACMG Guidelines, 2015. Collection method: clinical testing. Allele origin: germline. Not counted in ClinVar's aggregate classification.

NM_001754.5(RUNX1):c.98-148_98-147dup

Gene: RUNX1 (RUNX family transcription factor 1; minus strand). Cytogenetic location: 21q22.12.
Variant type: Duplication.
Coding change: c.98-148_98-147dup on transcript NM_001754.5 (MANE Select); 148 bases into the intron before coding-DNA position 98 through 147 bases into the intron before coding-DNA position 98, 2 bases duplicated (CC; older notation c.98-148_98-147dupCC).
Molecular consequence: intron variant. On other transcripts: 5 prime UTR variant (2).
Genome position (GRCh38, 1-based): chr21:34,887,243-34,887,244, GG duplicated on the plus strand (CC on the coding strand, the reverse complement: RUNX1 is on the minus strand); duplicating any 2 consecutive bases within chr21:34,887,243-34,887,251 gives the same sequence; the c. name uses the placement nearest the transcript's 3' end. VCF-style (leftmost placement, unchanged base first): chr21-34887242-T-TGG. GRCh37 (hg19) VCF-style: chr21-36259539-T-TGG.
Other names: c.-132_-131dup (NM_001001890.3, NM_001122607.2).
Identifiers: ClinVar variation 2446209 (VCV002446209.3), dbSNP rs3833348, ClinGen allele CA638054560.